The following is an entry in ClinVar:

ClinVar aggregate classification (germline): Uncertain significance (1 of 4 stars; one submission).

Submission:

Ambry Genetics
Classification: Uncertain significance. Last evaluated: 2025-06-20. Review status: criteria provided, single submitter. Criteria: Ambry Variant Classification Scheme 2023. Collection method: clinical testing. Allele origin: germline.
Comment: The p.E276K variant (also known as c.826G>A), located in coding exon 5 of the ATRIP gene, results from a G to A substitution at nucleotide position 826. The glutamic acid at codon 276 is replaced by lysine, an amino acid with similar properties. This amino acid position is conserved. In addition, this alteration is predicted to be tolerated by in silico analysis. Based on the available evidence, the clinical significance of this variant remains unclear.

NM_130384.3(ATRIP):c.826G>A (p.Glu276Lys)

Genes: ATRIP (ATR interacting protein; plus strand), ATRIP-TREX1 (ATRIP-TREX1 readthrough; plus strand). Cytogenetic location: 3p21.31.
Variant type: single nucleotide variant.
Coding change: c.826G>A on transcript NM_130384.3 (MANE Select); coding-DNA position 826, G replaced by A.
Protein change: p.Glu276Lys; replaces glutamic acid 276 with lysine.
Molecular consequence: missense variant. On other transcripts: non-coding transcript variant (1).
Genome position (GRCh38, 1-based): chr3:48,457,413, G>A. VCF-style: chr3-48457413-G-A. GRCh37 (hg19) VCF-style: chr3-48498813-G-A.
Other names: c.445G>A, p.Glu149Lys (NM_001271022.2); c.547G>A, p.Glu183Lys (NM_001271023.2); c.826G>A, p.Glu276Lys (NM_032166.4); short protein forms E149K, E183K, E276K.
Identifiers: ClinVar variation 4181838 (VCV004181838.1).